The following is an entry in ClinVar:

NM_198578.4(LRRK2):c.4025A>T (p.Asn1342Ile)

Gene: LRRK2 (leucine rich repeat kinase 2; plus strand). Cytogenetic location: 12q12.
Variant type: single nucleotide variant.
Coding change: c.4025A>T on transcript NM_198578.4 (MANE Select); coding-DNA position 4025, A replaced by T.
Protein change: p.Asn1342Ile; replaces asparagine 1342 with isoleucine.
Molecular consequence: missense variant.
Genome position (GRCh38, 1-based): chr12:40,308,532, A>T. VCF-style: chr12-40308532-A-T. GRCh37 (hg19) VCF-style: chr12-40702334-A-T.
Other names: short protein forms N1342I.
Identifiers: ClinVar variation 2587309 (VCV002587309.2), dbSNP rs2499812194, ClinGen allele CA384417590.
Genomic context (GRCh38, chr12:40,308,532, plus strand): 5'-TTCAACAGCGATTAAAAAAGGCTGTGCCTTATAACCGAATGAAACTTATGATTGTGGGAA[A>T]TACTGGGAGTGGTAAAACCACCTTATTGCAGCAATTAATGAAAACCAAGAAATCAGATCT-3'
Protein context (NP_940980.4, residues 1332-1352): YNRMKLMIVG[Asn1342Ile]TGSGKTTLLQ

ClinVar aggregate classification (germline): Uncertain significance (1 of 4 stars; one submission).

Conditions:
Inborn genetic diseases. Identifiers: MedGen C0950123, MeSH D030342.

gnomAD v4.1: 1 of 1,614,036 alleles (0.000062%); highest among the groups gnomAD compares: South Asian, 0.0011%; no homozygotes.

Submission:

Ambry Genetics
Classification: Uncertain significance for Inborn genetic diseases. Last evaluated: 2023-09-09. Review status: criteria provided, single submitter. Criteria: Ambry Variant Classification Scheme 2023. Collection method: clinical testing. Allele origin: germline.
Comment: The p.N1342I variant (also known as c.4025A>T), located in coding exon 29 of the LRRK2 gene, results from an A to T substitution at nucleotide position 4025. The asparagine at codon 1342 is replaced by isoleucine, an amino acid with dissimilar properties. This amino acid position is conserved. In addition, the in silico prediction for this alteration is inconclusive. Since supporting evidence is limited at this time, the clinical significance of this alteration remains unclear.